The following is an entry in ClinVar:

NM_019098.5(CNGB3):c.1929-1G>A

Gene: CNGB3 (cyclic nucleotide gated channel subunit beta 3; minus strand). Cytogenetic location: 8q21.3.
Variant type: single nucleotide variant.
Coding change: c.1929-1G>A on transcript NM_019098.5 (MANE Select); the canonical splice acceptor site of the intron before coding-DNA position 1929, G replaced by A.
Molecular consequence: splice acceptor variant.
Genome position (GRCh38, 1-based): chr8:86,578,864, C>T on the plus strand (G>A on the coding strand, the complement: CNGB3 is on the minus strand). VCF-style: chr8-86578864-C-T. GRCh37 (hg19) VCF-style: chr8-87591092-C-T.
Identifiers: ClinVar variation 647080 (VCV000647080.14), dbSNP rs750257554, ClinGen allele CA4799844.

ClinVar aggregate classification (germline): Likely pathogenic. Review status: criteria provided, multiple submitters, no conflicts (2 of 4 stars). 5 submissions from 5 submitters: Likely pathogenic (5). Last evaluated 2025-12-19.

Conditions:
Achromatopsia 3 (ACHM3). Also called: ACHROMATOPSIA WITH MYOPIA; PINGELAPESE BLINDNESS; TOTAL COLORBLINDNESS WITH MYOPIA; ROD MONOCHROMACY 1; ROD MONOCHROMATISM 1. Identifiers: Orphanet 49382, MedGen C1849792, MONDO:0009875, OMIM 262300.
Achromatopsia. Also called: Rod monochromatism. Identifiers: Orphanet 49382, MedGen C0152200, MONDO:0018852, HP:0011516.

Allele frequency attached by ClinVar (database versions not stated): TOPMed below 0.00001; gnomAD 0.00001; gnomAD exomes 0.00001; ExAC 0.00002.
gnomAD v4.1: 8 of 1,614,026 alleles (0.0005%); highest among the groups gnomAD compares: Non-Finnish European, 0.00068%; no homozygotes.

Submissions (5):

Natera, Inc.
Classification: Likely pathogenic for Achromatopsia. Last evaluated: 2025-12-19. Review status: criteria provided, single submitter. Criteria: Natera Variant Classification Schema (03/2026). Collection method: clinical testing. Allele origin: germline.
Comment: The c.1929-1G>A variant in CNGB3 is a canonical splice acceptor site variant predicted to affect pre-mRNA splicing, which may result in an abnormal transcript and altered protein product. This variant is expected to result in nonsense mediated decay, truncation, or a dysfunctional protein product. This variant is rare in the general population with a frequency below the threshold expected for the associated phenotype(s). Given the available evidence, this variant is classified as Likely Pathogenic.

Myriad Genetics, Inc.
Classification: Likely pathogenic for Achromatopsia 3. Last evaluated: 2025-10-16. Review status: criteria provided, single submitter. Criteria: Myriad Autosomal Dominant, Autosomal Recessive and X-Linked Classification Criteria (2023). Collection method: clinical testing. Allele origin: unknown.
Comment: NM_019098.4(CNGB3):c.1929-1G>A is a variant in a canonical splice site classified as likely pathogenic in the context of achromatopsia, CNGB3-related. c.1929-1G>A has been observed in a case with relevant disease (PMID: 39643591). Relevant functional assessments of this variant are not available in the literature. c.1929-1G>A has been observed in referenced population frequency databases. In summary, NM_019098.4(CNGB3):c.1929-1G>A is a variant in a canonical splice site that has been observed more frequently in cases with the relevant disease than in healthy populations. Please note: this variant was assessed in the context of healthy population screening.

Women's Health and Genetics/Laboratory Corporation of America, LabCorp
Classification: Likely pathogenic for Achromatopsia 3. Last evaluated: 2025-02-07. Review status: criteria provided, single submitter. Criteria: LabCorp Variant Classification Summary - May 2015. Collection method: clinical testing. Allele origin: germline.
Comment: Variant summary: CNGB3 c.1929-1G>A is located in a canonical splice-site and is predicted to affect mRNA splicing resulting in a significantly altered protein due to either exon skipping, shortening, or inclusion of intronic material. Variants that disrupt the consensus splice site are a relatively common cause of aberrant splicing and loss of CNGB3 function. Several computational tools predict a significant impact on normal splicing: Four predict the variant abolishes a 3' acceptor site. However, these predictions have yet to be confirmed by functional studies. The variant allele was found at a frequency of 1.2e-05 in 250524 control chromosomes. To our knowledge, no occurrence of c.1929-1G>A in individuals affected with Achromatopsia and no experimental evidence demonstrating its impact on protein function have been reported. ClinVar contains an entry for this variant (Variation ID: 647080). Based on the evidence outlined above, the variant was classified as likely pathogenic.

Fulgent Genetics
Classification: Likely pathogenic for Achromatopsia 3. Last evaluated: 2024-06-03. Review status: criteria provided, single submitter. Criteria: ACMG Guidelines, 2015. Collection method: clinical testing. Allele origin: germline.

Labcorp Genetics (formerly Invitae), Labcorp
Classification: Likely pathogenic. Last evaluated: 2023-08-21. Review status: criteria provided, single submitter. Criteria: Invitae Variant Classification Sherloc (09022015). Collection method: clinical testing. Allele origin: germline.
Comment: This variant has not been reported in the literature in individuals affected with CNGB3-related conditions. In summary, the currently available evidence indicates that the variant is pathogenic, but additional data are needed to prove that conclusively. Therefore, this variant has been classified as Likely Pathogenic. Algorithms developed to predict the effect of sequence changes on RNA splicing suggest that this variant may disrupt the consensus splice site. ClinVar contains an entry for this variant (Variation ID: 647080). This variant is present in population databases (rs750257554, gnomAD 0.004%). This sequence change affects an acceptor splice site in intron 16 of the CNGB3 gene. It is expected to disrupt RNA splicing. Variants that disrupt the donor or acceptor splice site typically lead to a loss of protein function (PMID: 16199547), and loss-of-function variants in CNGB3 are known to be pathogenic (PMID: 28795510).

Literature cited by the submitters: PubMed 39643591 (cited by Myriad Genetics, Inc.); PubMed 16199547 (cited by Labcorp Genetics (formerly Invitae), Labcorp); PubMed 28795510 (cited by Labcorp Genetics (formerly Invitae), Labcorp).